The following is an entry in ClinVar:

NM_001369.3(DNAH5):c.2683G>A (p.Glu895Lys)

Genes: DNAH5 (dynein axonemal heavy chain 5; minus strand), DNAH5-AS1 (DNAH5 antisense RNA 1; plus strand). Cytogenetic location: 5p15.2.
Variant type: single nucleotide variant.
Coding change: c.2683G>A on transcript NM_001369.3 (MANE Select); coding-DNA position 2683, G replaced by A.
Protein change: p.Glu895Lys; replaces glutamic acid 895 with lysine.
Molecular consequence: missense variant.
Genome position (GRCh38, 1-based): chr5:13,886,024, C>T on the plus strand (G>A on the coding strand, the complement: DNAH5 is on the minus strand). VCF-style: chr5-13886024-C-T. GRCh37 (hg19) VCF-style: chr5-13886133-C-T.
Other names: short protein forms E895K.
Identifiers: ClinVar variation 163156 (VCV000163156.32), dbSNP rs76229167, ClinGen allele CA175805.

ClinVar aggregate classification (germline): Benign/Likely benign. Review status: criteria provided, multiple submitters, no conflicts (2 of 4 stars). 10 submissions from 10 submitters: Benign (7); Likely benign (1). 2 of the submissions do not count toward it. Last evaluated 2026-01-28.

Conditions:
Primary ciliary dyskinesia. Also called: Ciliary dyskinesia. Identifiers: Orphanet 244, MedGen C0008780, MONDO:0016575, HP:0012265.
Primary ciliary dyskinesia 3. Identifiers: Orphanet 244, MedGen C1837618, MONDO:0012085, OMIM 608644.

Allele frequency attached by ClinVar (database versions not stated): gnomAD exomes 0.00164 and 0.00415; ExAC 0.00495; gnomAD 0.01551 and 0.01663; ESP Exome Variant Server 0.01585; TOPMed 0.01773; 1000 Genomes Project 0.01997; 1000 Genomes Project 30x 0.02014.
gnomAD v4.1: 4,921 of 1,612,148 alleles (0.31%); highest among the groups gnomAD compares: African/African-American, 5.4%; 136 homozygotes.

Submissions (10):

Labcorp Genetics (formerly Invitae), Labcorp
Classification: Benign for Primary ciliary dyskinesia. Last evaluated: 2026-01-28. Review status: criteria provided, single submitter. Criteria: Invitae Variant Classification Sherloc (09022015). Collection method: clinical testing. Allele origin: germline.

ARUP Laboratories, Molecular Genetics and Genomics, ARUP Laboratories
Classification: Benign for Primary ciliary dyskinesia 3. Last evaluated: 2023-09-15. Review status: criteria provided, single submitter. Criteria: ARUP Molecular Germline Variant Investigation Process 2024. Collection method: clinical testing. Allele origin: germline.

GeneDx
Classification: Benign. Last evaluated: 2020-09-16. Review status: criteria provided, single submitter. Criteria: GeneDx Variant Classification Process June 2021. Collection method: clinical testing. Allele origin: germline. Affected: yes.

Illumina Laboratory Services, Illumina
Classification: Benign for Primary ciliary dyskinesia 3. Last evaluated: 2018-01-13. Review status: criteria provided, single submitter. Criteria: ICSL Variant Classification Criteria 13 December 2019. Collection method: clinical testing. Allele origin: germline.
Comment: This variant was observed in the ICSL laboratory as part of a predisposition screen in an ostensibly healthy population. It had not been previously curated by ICSL or reported in the Human Gene Mutation Database (HGMD: prior to June 1st, 2018), and was therefore a candidate for classification through an automated scoring system. Utilizing variant allele frequency, disease prevalence and penetrance estimates, and inheritance mode, an automated score was calculated to assess if this variant is too frequent to cause the disease. Based on the score and internal cut-off values, a variant classified as benign is not then subjected to further curation. The score for this variant resulted in a classification of benign for this disease.

Ambry Genetics
Classification: Benign for Primary ciliary dyskinesia. Last evaluated: 2015-01-16. Review status: criteria provided, single submitter. Criteria: Ambry Variant Classification Scheme 2023. Collection method: clinical testing. Allele origin: germline.

Laboratory for Molecular Medicine, Mass General Brigham Personalized Medicine
Classification: Benign. Last evaluated: 2013-02-21. Review status: criteria provided, single submitter. Criteria: LMM Criteria. Collection method: clinical testing. Allele origin: germline. Observed: 2 variant alleles.
Comment: Glu895Lys in exon 18 of DNAH5: This variant is not expected to have clinical sig nificance because it has been identified in 4.6% (203/4406) of African American chromosomes from a broad population by the NHLBI Exome Sequencing Project (dbSNP rs76229167).

Breakthrough Genomics
Classification: Likely benign. Review status: criteria provided, single submitter. Criteria: ACMG Guidelines, 2015. Collection method: not provided. Allele origin: germline. Inheritance: Autosomal recessive inheritance. Affected: yes.

PreventionGenetics, part of Exact Sciences
Classification: Benign. Review status: criteria provided, single submitter. Criteria: ACMG Guidelines, 2015. Collection method: clinical testing. Allele origin: germline.

Natera, Inc.
Classification: Benign for Primary ciliary dyskinesia. Last evaluated: 2020-09-16. Review status: no assertion criteria provided. Collection method: clinical testing. Allele origin: germline. Not counted in ClinVar's aggregate classification.

Counsyl
Classification: Likely benign for Primary ciliary dyskinesia 3. Last evaluated: 2017-03-06. Review status: no assertion criteria provided. Collection method: clinical testing. Allele origin: unknown. Not counted in ClinVar's aggregate classification.